The following is an entry in ClinVar:

NM_001375808.2(LPIN2):c.699-1G>T

Gene: LPIN2 (lipin 2; minus strand). Cytogenetic location: 18p11.31.
Variant type: single nucleotide variant.
Coding change: c.699-1G>T on transcript NM_001375808.2 (MANE Select); the canonical splice acceptor site of the intron before coding-DNA position 699, G replaced by T.
Molecular consequence: splice acceptor variant.
Genome position (GRCh38, 1-based): chr18:2,939,604, C>A on the plus strand (G>T on the coding strand, the complement: LPIN2 is on the minus strand). VCF-style: chr18-2939604-C-A. GRCh37 (hg19) VCF-style: chr18-2939602-C-A.
Other names: c.699-1G>T (NM_014646.2, NM_001375809.1).
Identifiers: ClinVar variation 2003538 (VCV002003538.4), dbSNP rs2510266165, ClinGen allele CA401707476.

ClinVar aggregate classification (germline): Likely pathogenic (1 of 4 stars; one submission).

Conditions:
Majeed syndrome (MJDS). Also called: LPIN2-Related Majeed Syndrome; CHRONIC RECURRENT MULTIFOCAL OSTEOMYELITIS 1, WITH CONGENITAL DYSERYTHROPOIETIC ANEMIA, WITH OR WITHOUT NEUTROPHILIC DERMATOSIS. Identifiers: Orphanet 77297, MedGen C1864997, MONDO:0012316, OMIM 609628.

Submission:

Labcorp Genetics (formerly Invitae), Labcorp
Classification: Likely pathogenic for Majeed syndrome. Last evaluated: 2022-06-08. Review status: criteria provided, single submitter. Criteria: Invitae Variant Classification Sherloc (09022015). Collection method: clinical testing. Allele origin: germline.
Comment: This variant is not present in population databases (gnomAD no frequency). In summary, the currently available evidence indicates that the variant is pathogenic, but additional data are needed to prove that conclusively. Therefore, this variant has been classified as Likely Pathogenic. Algorithms developed to predict the effect of sequence changes on RNA splicing suggest that this variant may disrupt the consensus splice site. This variant has not been reported in the literature in individuals affected with LPIN2-related conditions. This sequence change affects an acceptor splice site in intron 5 of the LPIN2 gene. It is expected to disrupt RNA splicing. Variants that disrupt the donor or acceptor splice site typically lead to a loss of protein function (PMID: 16199547), and loss-of-function variants in LPIN2 are known to be pathogenic (PMID: 15994876, 23087183).

Literature cited by the submitters: PubMed 16199547; PubMed 15994876; PubMed 23087183.